The following is an entry in ClinVar:

ClinVar aggregate classification (germline): Uncertain significance (1 of 4 stars; one submission).

Conditions:
Cardiovascular phenotype. Identifiers: MedGen CN230736.

Submission:

Ambry Genetics
Classification: Uncertain significance for Cardiovascular phenotype. Last evaluated: 2020-12-08. Review status: criteria provided, single submitter. Criteria: Ambry Variant Classification Scheme 2023. Collection method: clinical testing. Allele origin: germline.
Comment: The c.11859+2T>C intronic variant results from a T to C substitution two nucleotides after coding exon 45 in the ANK2 gene. This nucleotide position is highly conserved in available vertebrate species. In silico splice site analysis predicts that this alteration will weaken the native splice donor site. Alterations that disrupt the canonical splice site are expected to cause aberrant splicing, resulting in an abnormal protein or a transcript that is subject to nonsense-mediated mRNA decay. However, loss of function of ANK2 has not been clearly established as a mechanism of disease. Since supporting evidence is limited at this time, the clinical significance of this alteration remains unclear.

NM_001148.6(ANK2):c.11859+2T>C

Gene: ANK2 (ankyrin 2; plus strand). Cytogenetic location: 4q26.
Variant type: single nucleotide variant.
Coding change: c.11859+2T>C on transcript NM_001148.6 (MANE Select); the canonical splice donor site of the intron after coding-DNA position 11859, T replaced by C.
Molecular consequence: splice donor variant. On other transcripts: intron variant (9).
Genome position (GRCh38, 1-based): chr4:113,373,451, T>C. VCF-style: chr4-113373451-T-C. GRCh37 (hg19) VCF-style: chr4-114294607-T-C.
Other names: c.5589+2T>C (NM_001386186.2, NM_001386148.2); c.5391+2T>C (NM_001354269.3); c.5469+2T>C (NM_001386187.2); c.5430+2T>C (NM_001386147.1); c.5448+2T>C (NM_001386160.1); c.5553+2T>C (NM_001354254.2); c.5667+2T>C (NM_001354239.2); c.5574+2T>C (NM_001354252.2); and 50 more.
Identifiers: ClinVar variation 1743110 (VCV001743110.2), dbSNP rs2154075277, ClinGen allele CA357943883.
Genomic context (GRCh38, chr4:113,373,451, plus strand): 5'-ATGGCTATTCCAAAGTTATAAAGCGTGTTGTATTGAAGAGTGACACCGAGCAGTCAGAGG[T>C]GAGACAACCTGATTCTCTAAAACCCATTTGATGGAGAGGAACAAAATAGAGCTCAAGAAA-3'